The following is an entry in ClinVar:

NM_033087.4(ALG2):c.304C>T (p.Leu102=)

Gene: ALG2 (ALG2 alpha-1,3/1,6-mannosyltransferase; minus strand). Cytogenetic location: 9q22.33.
Variant type: single nucleotide variant.
Coding change: c.304C>T on transcript NM_033087.4 (MANE Select); coding-DNA position 304, C replaced by T.
Protein change: p.Leu102=; no amino-acid change (leucine 102 retained).
Molecular consequence: synonymous variant. On other transcripts: non-coding transcript variant (1).
Genome position (GRCh38, 1-based): chr9:99,221,591, G>A on the plus strand (C>T on the coding strand, the complement: ALG2 is on the minus strand). VCF-style: chr9-99221591-G-A. GRCh37 (hg19) VCF-style: chr9-101983873-G-A.
Other names: p.Leu102=.
Identifiers: ClinVar variation 364211 (VCV000364211.10), dbSNP rs749236548, ClinGen allele CA5156423.

ClinVar aggregate classification (germline): Likely benign. Review status: criteria provided, multiple submitters, no conflicts (2 of 4 stars). 2 submissions from 2 submitters: Likely benign (2). Last evaluated 2025-10-03.

Conditions:
Congenital disorder of glycosylation, type Ii. Also called: CDG Ii; ALG2-CDG; ALG2-congenital disorder of glycosylation. Identifiers: Orphanet 79326, MedGen C1842836, MONDO:0011933, OMIM 607906.
Congenital myasthenic syndrome 14. Also called: Myasthenic syndrome, congenital, 14, with tubular aggregates. Identifiers: Orphanet 353327, Orphanet 590, MedGen C4015597, MONDO:0014543, OMIM 616228.

Allele frequency attached by ClinVar (database versions not stated): TOPMed 0.00003; ExAC 0.00009; 1000 Genomes Project 30x 0.00078; gnomAD exomes 0.00001 and 0.00004; gnomAD 0.00001.

Submissions (2):

Mayo Clinic Laboratories, Mayo Clinic
Classification: Likely benign. Last evaluated: 2025-10-03. Review status: criteria provided, single submitter. Criteria: ACMG Guidelines, 2015. Collection method: clinical testing. Allele origin: germline. Observed: 1 variant allele.
Comment: BP4, BP7

Labcorp Genetics (formerly Invitae), Labcorp
Classification: Likely benign for Congenital disorder of glycosylation, type Ii; Congenital myasthenic syndrome 14. Last evaluated: 2025-07-23. Review status: criteria provided, single submitter. Criteria: Invitae Variant Classification Sherloc (09022015). Collection method: clinical testing. Allele origin: germline.